The following is an entry in ClinVar:

ClinVar aggregate classification (germline): Uncertain significance (1 of 4 stars; one submission).

Conditions:
RYR1-related disorder. Also called: RYR1-related condition; RYR1-related disorders. Identifiers: MedGen CN239331.

Allele frequency attached by ClinVar (database versions not stated): ExAC 0.00001; gnomAD 0.00004.
gnomAD v4.1: 22 of 1,572,276 alleles (0.0014%); highest among the groups gnomAD compares: African/African-American, 0.0098%; no homozygotes.

Submission:

Labcorp Genetics (formerly Invitae), Labcorp
Classification: Uncertain significance for RYR1-related disorder. Last evaluated: 2022-02-01. Review status: criteria provided, single submitter. Criteria: Invitae Variant Classification Sherloc (09022015). Collection method: clinical testing. Allele origin: germline.
Comment: This sequence change replaces arginine, which is basic and polar, with lysine, which is basic and polar, at codon 2612 of the RYR1 protein (p.Arg2612Lys). This variant also falls at the last nucleotide of exon 48, which is part of the consensus splice site for this exon. The frequency data for this variant in the population databases is considered unreliable, as metrics indicate poor data quality at this position in the gnomAD database. In summary, the available evidence is currently insufficient to determine the role of this variant in disease. Therefore, it has been classified as a Variant of Uncertain Significance. Variants that disrupt the consensus splice site are a relatively common cause of aberrant splicing (PMID: 17576681, 9536098). Algorithms developed to predict the effect of sequence changes on RNA splicing suggest that this variant may disrupt the consensus splice site. Algorithms developed to predict the effect of missense changes on protein structure and function output the following: SIFT: "Tolerated"; PolyPhen-2: "Benign"; Align-GVGD: "Class C0". The lysine amino acid residue is found in multiple mammalian species, which suggests that this missense change does not adversely affect protein function. ClinVar contains an entry for this variant (Variation ID: 478279). This missense change has been observed in individual(s) with clinical features of RYR1-related conditions (Invitae).

Literature cited by the submitters: PubMed 17576681; PubMed 9536098.

NM_000540.3(RYR1):c.7835G>A (p.Arg2612Lys)

Gene: RYR1 (ryanodine receptor 1; plus strand). Cytogenetic location: 19q13.2.
Variant type: single nucleotide variant.
Coding change: c.7835G>A on transcript NM_000540.3 (MANE Select); coding-DNA position 7835, G replaced by A.
Protein change: p.Arg2612Lys; replaces arginine 2612 with lysine.
Molecular consequence: missense variant.
Genome position (GRCh38, 1-based): chr19:38,502,727, G>A. VCF-style: chr19-38502727-G-A. GRCh37 (hg19) VCF-style: chr19-38993367-G-A.
Other names: c.7835G>A, p.Arg2612Lys (NM_001042723.2); short protein forms R2612K.
Identifiers: ClinVar variation 478279 (VCV000478279.8), dbSNP rs769677939, ClinGen allele CA070560.
Genomic context (GRCh38, chr19:38,502,727, plus strand): 5'-GTCGTTCGCTCACCAAGGCGCAGCGTGACGTCATCGAGGACTGCCTCATGTCGCTCTGCA[G>A]GTGGAGCGGGGCAGGCTTCAGGGTGGGGCAGGGGCAGGGGCAGGGGCAGGGGCAGGGGCA-3'
Protein context (NP_000531.2, residues 2602-2622): VIEDCLMSLC[Arg2612Lys]YIRPSMLQHL